The following is an entry in ClinVar:

ClinVar aggregate classification (germline): Uncertain significance (1 of 4 stars; one submission).

Conditions:
NIK deficiency. Also called: Primary immunodeficiency with multifaceted aberrant lymphoid immunity. Identifiers: Orphanet 447731, MedGen C5680065, MONDO:0018642.

gnomAD v4.1: 1 of 1,612,126 alleles (0.000062%); highest among the groups gnomAD compares: South Asian, 0.0011%; no homozygotes.

Submission:

Labcorp Genetics (formerly Invitae), Labcorp
Classification: Uncertain significance for NIK deficiency. Last evaluated: 2024-10-30. Review status: criteria provided, single submitter. Criteria: Invitae Variant Classification Sherloc (09022015). Collection method: clinical testing. Allele origin: germline.
Comment: This sequence change replaces arginine, which is basic and polar, with lysine, which is basic and polar, at codon 666 of the MAP3K14 protein (p.Arg666Lys). This variant is not present in population databases (gnomAD no frequency). This variant has not been reported in the literature in individuals affected with MAP3K14-related conditions. An algorithm developed to predict the effect of missense changes on protein structure and function outputs the following: PolyPhen-2: "Not Available". The lysine amino acid residue is found in multiple mammalian species, which suggests that this missense change does not adversely affect protein function. In summary, the available evidence is currently insufficient to determine the role of this variant in disease. Therefore, it has been classified as a Variant of Uncertain Significance.

NM_003954.5(MAP3K14):c.1997G>A (p.Arg666Lys)

Genes: MAP3K14 (mitogen-activated protein kinase kinase kinase 14; minus strand), MAP3K14-AS1 (MAP3K14 antisense RNA 1; plus strand), LOC126862575 (CDK7 strongly-dependent group 2 enhancer GRCh37_chr17:43344006-43345205; plus strand). Cytogenetic location: 17q21.31.
Variant type: single nucleotide variant.
Coding change: c.1997G>A on transcript NM_003954.5 (MANE Select); coding-DNA position 1997, G replaced by A.
Protein change: p.Arg666Lys; replaces arginine 666 with lysine.
Molecular consequence: missense variant.
Genome position (GRCh38, 1-based): chr17:45,267,735, C>T on the plus strand (G>A on the coding strand, the complement: MAP3K14 is on the minus strand). VCF-style: chr17-45267735-C-T. GRCh37 (hg19) VCF-style: chr17-43345102-C-T.
Other names: short protein forms R666K.
Identifiers: ClinVar variation 3723649 (VCV003723649.2).